The following is an entry in ClinVar:

NM_001374736.1(DST):c.20095-18_20095-2dup

Gene: DST (dystonin; minus strand). Cytogenetic location: 6p12.1.
Variant type: Duplication.
Coding change: c.20095-18_20095-2dup on transcript NM_001374736.1 (MANE Select); 18 bases into the intron before coding-DNA position 20095 through the canonical splice acceptor site of the intron before coding-DNA position 20095, 17 bases duplicated (AACTGCCTATTACTTCA).
Molecular consequence: splice acceptor variant.
Genome position (GRCh38, 1-based): chr6:56,497,509-56,497,525, TGAAGTAATAGGCAGTT duplicated on the plus strand (AACTGCCTATTACTTCA on the coding strand, the reverse complement: DST is on the minus strand); duplicating any 17 consecutive bases within chr6:56,497,509-56,497,526 gives the same sequence; the c. name uses the placement nearest the transcript's 3' end. VCF-style (leftmost placement, unchanged base first): chr6-56497508-C-CTGAAGTAATAGGCAGTT. GRCh37 (hg19) VCF-style: chr6-56362306-C-CTGAAGTAATAGGCAGTT.
Other names: c.13738-18_13738-2dup (NM_001144769.5); c.20095-18_20095-2dup (NM_001374722.1); c.20122-18_20122-2dup (NM_001374734.1); c.13324-18_13324-2dup (NM_001144770.2); c.12877-18_12877-2dup (NM_001374730.1); c.13204-18_13204-2dup (NM_001386100.1, NM_183380.4); c.19135-18_19135-2dup (NM_001374729.1); c.12226-18_12226-2dup (NM_015548.5).
Identifiers: ClinVar variation 1434760 (VCV001434760.6), dbSNP rs2152452475, ClinGen allele CA2573141057.

ClinVar aggregate classification (germline): Uncertain significance (1 of 4 stars; one submission).

Conditions:
Hereditary sensory and autonomic neuropathy type 6. Also called: HSAN VI; Neuropathy, hereditary sensory and autonomic, type VI. Identifiers: Orphanet 314381, MedGen C3539003, MONDO:0013839, OMIM 614653.
Epidermolysis bullosa simplex 3, localized or generalized intermediate, with BP230 deficiency (EBS3). Also called: Epidermolysis bullosa simplex, autosomal recessive 2; Epidermolysis bullosa simplex due to BP230 deficiency. Identifiers: Orphanet 412181, MedGen C3809470, MONDO:0014180, OMIM 615425.

Submission:

Labcorp Genetics (formerly Invitae), Labcorp
Classification: Uncertain significance for Epidermolysis bullosa simplex 3, localized or generalized intermediate, with BP230 deficiency; Hereditary sensory and autonomic neuropathy type 6. Last evaluated: 2021-10-27. Review status: criteria provided, single submitter. Criteria: Invitae Variant Classification Sherloc (09022015). Collection method: clinical testing. Allele origin: germline.
Comment: This variant has not been reported in the literature in individuals affected with DST-related conditions. This variant is not present in population databases (gnomAD no frequency). This sequence change falls in intron 62 of the DST gene. It does not directly change the encoded amino acid sequence of the DST protein. The DST gene has multiple clinically relevant transcripts. This variant occurs in alternate transcript NM_015548.4, and corresponds to NM_001723.5:c.*117992_*118008dup in the primary transcript. In summary, the available evidence is currently insufficient to determine the role of this variant in disease. Therefore, it has been classified as a Variant of Uncertain Significance.